The following is an entry in ClinVar:

NM_000059.4(BRCA2):c.9826A>G (p.Arg3276Gly)

Gene: BRCA2 (BRCA2 DNA repair associated; plus strand). Cytogenetic location: 13q13.1.
Variant type: single nucleotide variant.
Coding change: c.9826A>G on transcript NM_000059.4 (MANE Select); coding-DNA position 9826, A replaced by G.
Protein change: p.Arg3276Gly; replaces arginine 3276 with glycine.
Molecular consequence: missense variant.
Genome position (GRCh38, 1-based): chr13:32,398,339, A>G. VCF-style: chr13-32398339-A-G. GRCh37 (hg19) VCF-style: chr13-32972476-A-G.
Other names: c.9826A>G (NM_000059.3); short protein forms R3276G.
Identifiers: ClinVar variation 1036548 (VCV001036548.10), dbSNP rs2073051443, ClinGen allele CA387766287.

ClinVar aggregate classification (germline): Uncertain significance. Review status: criteria provided, multiple submitters, no conflicts (2 of 4 stars). 2 submissions from 2 submitters: Uncertain significance (2). Last evaluated 2025-05-07.

Conditions:
Hereditary cancer-predisposing syndrome. Also called: Neoplastic Syndromes, Hereditary; Hereditary Cancer Syndrome; Tumor predisposition; Hereditary neoplastic syndrome. Identifiers: Orphanet 140162, MedGen C0027672, MeSH D009386, MONDO:0015356.
Hereditary breast ovarian cancer syndrome. Also called: Hereditary breast and ovarian cancer syndrome; Hereditary breast and ovarian cancer syndrome (HBOC); BRCA1- and BRCA2-Associated Hereditary Breast and Ovarian Cancer; Hereditary breast and ovarian cancer; Hereditary breast and/or ovarian cancer syndrome; Breast and ovarian cancer. Identifiers: Orphanet 145, MedGen C0677776, MeSH D061325, MONDO:0003582. Disease mechanism: loss of function.

Allele frequency attached by ClinVar (database versions not stated): gnomAD exomes below 0.00001.
gnomAD v4.1: 1 of 1,614,198 alleles (0.000062%); highest among the groups gnomAD compares: Non-Finnish European, 0.000085%; no homozygotes.

Submissions (2):

Labcorp Genetics (formerly Invitae), Labcorp
Classification: Uncertain significance for Hereditary breast ovarian cancer syndrome. Last evaluated: 2025-05-07. Review status: criteria provided, single submitter. Criteria: Invitae Variant Classification Sherloc (09022015). Collection method: clinical testing. Allele origin: germline.
Comment: This sequence change replaces arginine, which is basic and polar, with glycine, which is neutral and non-polar, at codon 3276 of the BRCA2 protein (p.Arg3276Gly). This variant is not present in population databases (gnomAD no frequency). This variant has not been reported in the literature in individuals affected with BRCA2-related conditions. ClinVar contains an entry for this variant (Variation ID: 1036548). Invitae Evidence Modeling of protein sequence and biophysical properties (such as structural, functional, and spatial information, amino acid conservation, physicochemical variation, residue mobility, and thermodynamic stability) indicates that this missense variant is not expected to disrupt BRCA2 protein function with a negative predictive value of 95%. In summary, the available evidence is currently insufficient to determine the role of this variant in disease. Therefore, it has been classified as a Variant of Uncertain Significance.

Ambry Genetics
Classification: Uncertain significance for Hereditary cancer-predisposing syndrome. Last evaluated: 2023-04-22. Review status: criteria provided, single submitter. Criteria: Ambry Variant Classification Scheme 2023. Collection method: clinical testing. Allele origin: germline.
Comment: The p.R3276G variant (also known as c.9826A>G), located in coding exon 26 of the BRCA2 gene, results from an A to G substitution at nucleotide position 9826. The arginine at codon 3276 is replaced by glycine, an amino acid with dissimilar properties. This amino acid position is conserved. In addition, this alteration is predicted to be tolerated by in silico analysis. Since supporting evidence is limited at this time, the clinical significance of this alteration remains unclear.